The following is an entry in ClinVar:

ClinVar aggregate classification (germline): Uncertain significance (1 of 4 stars; one submission).

Conditions:
Cardiovascular phenotype. Identifiers: MedGen CN230736.

gnomAD v4.1: 2 of 1,609,438 alleles (0.00012%); highest among the groups gnomAD compares: Admixed American, 0.0017%; no homozygotes.

Submission:

Ambry Genetics
Classification: Uncertain significance for Cardiovascular phenotype. Last evaluated: 2023-03-10. Review status: criteria provided, single submitter. Criteria: Ambry Variant Classification Scheme 2023. Collection method: clinical testing. Allele origin: germline.
Comment: The p.V174L variant (also known as c.520G>T), located in coding exon 2 of the NKX2-5 gene, results from a G to T substitution at nucleotide position 520. The valine at codon 174 is replaced by leucine, an amino acid with highly similar properties. This amino acid position is well conserved in available vertebrate species. In addition, the in silico prediction for this alteration is inconclusive. Since supporting evidence is limited at this time, the clinical significance of this alteration remains unclear.

NM_004387.4(NKX2-5):c.520G>T (p.Val174Leu)

Gene: NKX2-5 (NK2 homeobox 5; minus strand). Cytogenetic location: 5q35.1.
Variant type: single nucleotide variant.
Coding change: c.520G>T on transcript NM_004387.4 (MANE Select); coding-DNA position 520, G replaced by T.
Protein change: p.Val174Leu; replaces valine 174 with leucine.
Molecular consequence: missense variant. On other transcripts: 3 prime UTR variant (2).
Genome position (GRCh38, 1-based): chr5:173,233,024, C>A on the plus strand (G>T on the coding strand, the complement: NKX2-5 is on the minus strand). VCF-style: chr5-173233024-C-A. GRCh37 (hg19) VCF-style: chr5-172660027-C-A.
Other names: c.*473G>T (NM_001166175.2); c.*319G>T (NM_001166176.2); short protein forms V174L.
Identifiers: ClinVar variation 2452064 (VCV002452064.2), dbSNP rs1238421153, ClinGen allele CA362161697.